The following is an entry in ClinVar:

ClinVar aggregate classification (germline): Uncertain significance (1 of 4 stars; one submission).

gnomAD v4.1: 3 of 1,585,840 alleles (0.00019%); highest among the groups gnomAD compares: Admixed American, 0.0053%; no homozygotes.

Submission:

CeGaT Center for Human Genetics Tuebingen
Classification: Uncertain significance. Last evaluated: 2024-07-01. Review status: criteria provided, single submitter. Criteria: CeGaT Center For Human Genetics Tuebingen Variant Classification Criteria Version 2. Collection method: clinical testing. Allele origin: germline. Affected: yes. Observed: 1 variant allele.
Comment: SPEG: PM2

NM_005876.5(SPEG):c.2312G>C (p.Arg771Pro)

Gene: SPEG (striated muscle enriched protein kinase; plus strand). Cytogenetic location: 2q35.
Variant type: single nucleotide variant.
Coding change: c.2312G>C on transcript NM_005876.5 (MANE Select); coding-DNA position 2312, G replaced by C.
Protein change: p.Arg771Pro; replaces arginine 771 with proline.
Molecular consequence: missense variant.
Genome position (GRCh38, 1-based): chr2:219,451,679, G>C. VCF-style: chr2-219451679-G-C. GRCh37 (hg19) VCF-style: chr2-220316401-G-C.
Other names: short protein forms R771P.
Identifiers: ClinVar variation 3257554 (VCV003257554.17).
Genomic context (GRCh38, chr2:219,451,679, plus strand): 5'-CCACAGTGTCCTGGCACAAGGATGGGTCAGCGCTGCGCAGCGAGGGCCGCCTCCTCCTCC[G>C]GGCTGAGGGTGAGCGGCACACCCTGCTGCTCAGGGAGGCCAGGGCAGCAGATGCCGGGAG-3'
Protein context (NP_005867.3, residues 761-781): ALRSEGRLLL[Arg771Pro]AEGERHTLLL